The following is an entry in ClinVar:

ClinVar aggregate classification (germline): Pathogenic/Likely pathogenic. Review status: criteria provided, multiple submitters, no conflicts (2 of 4 stars). 9 submissions from 9 submitters: Pathogenic (7); Likely pathogenic (1). 1 of the submissions does not count toward it. Last evaluated 2026-04-01.

Conditions:
EBV-positive nodal T- and NK-cell lymphoma.
Tatton-Brown-Rahman overgrowth syndrome. Also called: Tatton-Brown-Rahman syndrome; Tall stature-intellectual disability-facial dysmorphism syndrome. Identifiers: Orphanet 404443, MedGen C4014545, MONDO:0014382, OMIM 615879.
Acute myeloid leukemia (AML). Also called: Leukemia, acute myelogenous, somatic; Leukemia, acute myeloid, somatic; Acute myeloid leukemia, adult; AML adult; Acute non-lymphocytic leukemia; Acute granulocytic leukemia. Identifiers: Orphanet 519, MedGen C0023467, MeSH D015470, MONDO:0018874, OMIM 601626, HP:0004808. Disease mechanism: Constitutively activated FLT3.
Heyn-Sproul-Jackson syndrome. Also called: MICROCEPHALY, SHORT STATURE, AND IMPAIRED INTELLECTUAL DEVELOPMENT. Identifiers: Orphanet 658595, MedGen C5231475, MONDO:0032882, OMIM 618724.
Inborn genetic diseases. Identifiers: MedGen C0950123, MeSH D030342.
DNMT3A-related disorder. Also called: DNMT3A-related condition; DNMT3A-related disorders.

Allele frequency attached by ClinVar (database versions not stated): gnomAD 0.00002; gnomAD exomes 0.00002; ExAC 0.00008.
gnomAD v4.1: 32 of 1,613,832 alleles (0.002%); highest among the groups gnomAD compares: Admixed American, 0.005%; no homozygotes.

Submissions (9):

CeGaT Center for Human Genetics Tuebingen
Classification: Pathogenic. Last evaluated: 2026-04-01. Review status: criteria provided, single submitter. Criteria: CeGaT Center For Human Genetics Tuebingen Variant Classification Criteria Version 2. Collection method: clinical testing. Allele origin: germline. Affected: yes. Observed: 2 variant alleles.
Comment: DNMT3A: PVS1, PS4, PM2, PS2:Moderate

Ambry Genetics
Classification: Pathogenic for Inborn genetic diseases. Last evaluated: 2025-12-09. Review status: criteria provided, single submitter. Criteria: Ambry Variant Classification Scheme 2023. Collection method: clinical testing. Allele origin: germline.
Comment: The c.958C>T (p.R320*) alteration, located in exon 8 (coding exon 7) of the DNMT3A gene, consists of a C to T substitution at nucleotide position 958. This changes the amino acid from a arginine (R) to a stop codon at amino acid position 320. This alteration is expected to result in loss of function by premature protein truncation or nonsense-mediated mRNA decay. for Tatton-Brown-Rahman syndrome; however, it is unlikely to be causative of Heyn-Sproul-Jackson syndrome. The Genome Aggregation Database (gnomAD) data for this variant is unreliable due to technical and/or biological issues; therefore, population frequency estimates were not considered. This variant was reported in individual(s) with features consistent with Tatton-Brown-Rahman syndrome; in at least one individual, it was determined to be de novo (Tlemsani, 2016; Lennartsson, 2021; Totten, 2024). Based on the available evidence, this alteration is classified as pathogenic.

PreventionGenetics, part of Exact Sciences
Classification: Pathogenic for DNMT3A-related condition. Last evaluated: 2024-12-08. Review status: criteria provided, single submitter. Criteria: ACMG Guidelines, 2015. Collection method: clinical testing. Allele origin: germline.
Comment: The DNMT3A c.958C>T variant is predicted to result in premature protein termination (p.Arg320*). This variant has been reported in multiple individuals with Tatton-Brown-Rahman syndrome, including at least one de novo case (Tlemsani et al. 2016. PubMed ID: 27317772; Lennartsson et al. 2021. PubMed ID: 34721301; Table S1, Levy et al. 2022. PubMed ID: 35904121). This variant is reported in 0.0033% of alleles in individuals of South Asian descent in gnomAD. Nonsense variants in DNMT3A are expected to be pathogenic. This variant is interpreted as pathogenic.

Blueprint Genetics
Classification: Likely pathogenic for DNMT3A-related disorders. Last evaluated: 2024-08-15. Review status: criteria provided, single submitter. Criteria: ACMG Guidelines, 2015. Collection method: clinical testing. Allele origin: germline. Affected: yes. Observed: 4 variant alleles.

Clinical Genetics Laboratory, CHRU Nancy
Classification: Pathogenic for Tatton-Brown-Rahman overgrowth syndrome. Last evaluated: 2024-03-24. Review status: criteria provided, single submitter. Criteria: ACMG Guidelines, 2015. Collection method: clinical testing. Allele origin: germline. Affected: yes.

Labcorp Genetics (formerly Invitae), Labcorp
Classification: Pathogenic for Tatton-Brown-Rahman overgrowth syndrome. Last evaluated: 2023-07-18. Review status: criteria provided, single submitter. Criteria: Invitae Variant Classification Sherloc (09022015). Collection method: clinical testing. Allele origin: germline.
Comment: For these reasons, this variant has been classified as Pathogenic. ClinVar contains an entry for this variant (Variation ID: 955045). This premature translational stop signal has been observed in individual(s) with clinical features of Tatton-Brown-Rahman syndrome (PMID: 27317772). This variant is present in population databases (rs778270132, gnomAD 0.003%). This sequence change creates a premature translational stop signal (p.Arg320*) in the DNMT3A gene. It is expected to result in an absent or disrupted protein product. Loss-of-function variants in DNMT3A are known to be pathogenic (PMID: 24614070).

Institute for Clinical Genetics, University Hospital TU Dresden, University Hospital TU Dresden
Classification: Pathogenic. Last evaluated: 2022-09-05. Review status: criteria provided, single submitter. Criteria: ACMG Guidelines, 2015. Collection method: clinical testing. Allele origin: germline.
Comment: PVS1, PS4, PM2_SUP

Juno Genomics, Hangzhou Juno Genomics, Inc
Classification: Pathogenic for Tatton-Brown-Rahman overgrowth syndrome; Acute myeloid leukemia; Heyn-Sproul-Jackson syndrome. Review status: criteria provided, single submitter. Criteria: ACMG Guidelines, 2015. Collection method: clinical testing. Allele origin: germline.
Comment: Absent from controls (or at extremely low frequency if recessive) in Genome Aggregation Database.;Null variant in a gene where loss of function (LOF) is a known mechanism of disease.;Assumed de novo, but without confirmation of paternity and maternity.

Department of Clinical Pathology, School of Medicine, Fujita Health University
Classification: Pathogenic for EBV-positive nodal T- and NK-cell lymphoma. Review status: no assertion criteria provided. Collection method: research. Allele origin: unknown. Affected: yes. Not counted in ClinVar's aggregate classification.

Literature cited by the submitters: PubMed 27317772 (cited by Ambry Genetics and Labcorp Genetics (formerly Invitae), Labcorp); PubMed 34721301 (cited by Ambry Genetics); PubMed 38960581 (cited by Ambry Genetics); PubMed 24614070 (cited by Labcorp Genetics (formerly Invitae), Labcorp).

NM_022552.5(DNMT3A):c.958C>T (p.Arg320Ter)

Gene: DNMT3A (DNA methyltransferase 3 alpha; minus strand). Cytogenetic location: 2p23.3.
Variant type: single nucleotide variant.
Coding change: c.958C>T on transcript NM_022552.5 (MANE Select); coding-DNA position 958, C replaced by T.
Protein change: p.Arg320Ter; replaces arginine 320 with a stop codon.
Molecular consequence: nonsense. On other transcripts: non-coding transcript variant (1).
Genome position (GRCh38, 1-based): chr2:25,247,647, G>A on the plus strand (C>T on the coding strand, the complement: DNMT3A is on the minus strand). VCF-style: chr2-25247647-G-A. GRCh37 (hg19) VCF-style: chr2-25470516-G-A.
Other names: c.958C>T (NM_175629.1); c.502C>T, p.Arg168Ter (NM_001320893.1); c.289C>T, p.Arg97Ter (NM_001375819.1); c.391C>T, p.Arg131Ter (NM_153759.3); c.958C>T, p.Arg320Ter (NM_175629.2); short protein forms R168*, R320*, R131*, R97*.
Identifiers: ClinVar variation 955045 (VCV000955045.16), dbSNP rs778270132, ClinGen allele CA1556234.